The following is an entry in ClinVar:

NM_000350.3(ABCA4):c.6283-3C>A

Gene: ABCA4 (ATP binding cassette subfamily A member 4; minus strand). Cytogenetic location: 1p22.1.
Variant type: single nucleotide variant.
Coding change: c.6283-3C>A on transcript NM_000350.3 (MANE Select); 3 bases into the intron before coding-DNA position 6283, C replaced by A.
Molecular consequence: intron variant.
Genome position (GRCh38, 1-based): chr1:94,001,108, G>T on the plus strand (C>A on the coding strand, the complement: ABCA4 is on the minus strand). VCF-style: chr1-94001108-G-T. GRCh37 (hg19) VCF-style: chr1-94466664-G-T.
Identifiers: ClinVar variation 2133065 (VCV002133065.2), dbSNP rs1055222348, ClinGen allele CA26831828.

ClinVar aggregate classification (germline): Uncertain significance. Review status: criteria provided, single submitter (1 of 4 stars). 2 submissions from 2 submitters: Uncertain significance (1). 1 of the submissions does not count toward it. Last evaluated 2022-08-01.

Conditions:
Retinal dystrophy. Also called: Inherited retinal dystrophy. Identifiers: Orphanet 71862, MedGen C0854723, MeSH D058499, MONDO:0019118, HP:0000556.

gnomAD v4.1: 4 of 1,610,764 alleles (0.00025%); highest among the groups gnomAD compares: East Asian, 0.0022%; no homozygotes.

Submissions (2):

Labcorp Genetics (formerly Invitae), Labcorp
Classification: Uncertain significance. Last evaluated: 2022-08-01. Review status: criteria provided, single submitter. Criteria: Invitae Variant Classification Sherloc (09022015). Collection method: clinical testing. Allele origin: germline.
Comment: This sequence change falls in intron 45 of the ABCA4 gene. It does not directly change the encoded amino acid sequence of the ABCA4 protein. It affects a nucleotide within the consensus splice site. This variant is not present in population databases (gnomAD no frequency). This variant has not been reported in the literature in individuals affected with ABCA4-related conditions. Variants that disrupt the consensus splice site are a relatively common cause of aberrant splicing (PMID: 17576681, 9536098). Algorithms developed to predict the effect of sequence changes on RNA splicing suggest that this variant may disrupt the consensus splice site. In summary, the available evidence is currently insufficient to determine the role of this variant in disease. Therefore, it has been classified as a Variant of Uncertain Significance.

Institute of Human Genetics, Univ. Regensburg, Univ. Regensburg
Classification: Uncertain significance for Retinal dystrophy. Last evaluated: 2017-01-01. Review status: no assertion criteria provided. Criteria: ACMG Guidelines, 2015. Collection method: clinical testing. Allele origin: germline. Affected: yes. Not counted in ClinVar's aggregate classification.

Literature cited by the submitters: PubMed 17576681 (cited by Labcorp Genetics (formerly Invitae), Labcorp); PubMed 9536098 (cited by Labcorp Genetics (formerly Invitae), Labcorp).